The following is an entry in ClinVar:

NM_001430.5(EPAS1):c.357G>A (p.Met119Ile)

Gene: EPAS1 (endothelial PAS domain protein 1; plus strand). Cytogenetic location: 2p21.
Variant type: single nucleotide variant.
Coding change: c.357G>A on transcript NM_001430.5 (MANE Select); coding-DNA position 357, G replaced by A.
Protein change: p.Met119Ile; replaces methionine 119 with isoleucine.
Molecular consequence: missense variant.
Genome position (GRCh38, 1-based): chr2:46,356,290, G>A. VCF-style: chr2-46356290-G-A. GRCh37 (hg19) VCF-style: chr2-46583429-G-A.
Other names: short protein forms M119I.
Identifiers: ClinVar variation 3221650 (VCV003221650.1), dbSNP rs2546450541, ClinGen allele CA346697970.

ClinVar aggregate classification (germline): Uncertain significance (1 of 4 stars; one submission).

Conditions:
Inborn genetic diseases. Identifiers: MedGen C0950123, MeSH D030342.

Submission:

Ambry Genetics
Classification: Uncertain significance for Inborn genetic diseases. Last evaluated: 2024-03-06. Review status: criteria provided, single submitter. Criteria: Ambry Variant Classification Scheme 2023. Collection method: clinical testing. Allele origin: germline.
Comment: The p.M119I variant (also known as c.357G>A), located in coding exon 3 of the EPAS1 gene, results from a G to A substitution at nucleotide position 357. The methionine at codon 119 is replaced by isoleucine, an amino acid with highly similar properties. This amino acid position is conserved. In addition, this alteration is predicted to be tolerated by in silico analysis. Based on the available evidence, the clinical significance of this alteration remains unclear.